The following is an entry in ClinVar:

ClinVar aggregate classification (germline): Uncertain significance (1 of 4 stars; one submission).

Submission:

Labcorp Genetics (formerly Invitae), Labcorp
Classification: Uncertain significance. Last evaluated: 2024-02-12. Review status: criteria provided, single submitter. Criteria: Invitae Variant Classification Sherloc (09022015). Collection method: clinical testing. Allele origin: germline.
Comment: This sequence change replaces glycine, which is neutral and non-polar, with serine, which is neutral and polar, at codon 17 of the DNAJC17 protein (p.Gly17Ser). This variant is not present in population databases (gnomAD no frequency). This variant has not been reported in the literature in individuals affected with DNAJC17-related conditions. An algorithm developed to predict the effect of missense changes on protein structure and function (PolyPhen-2) suggests that this variant is likely to be disruptive. In summary, the available evidence is currently insufficient to determine the role of this variant in disease. Therefore, it has been classified as a Variant of Uncertain Significance.

NM_018163.3(DNAJC17):c.49G>A (p.Gly17Ser)

Genes: DNAJC17 (DnaJ heat shock protein family (Hsp40) member C17; minus strand), ZFYVE19 (zinc finger FYVE-type containing 19; plus strand), LOC130056871 (ATAC-STARR-seq lymphoblastoid active region 9265; plus strand). Cytogenetic location: 15q15.1.
Variant type: single nucleotide variant.
Coding change: c.49G>A on transcript NM_018163.3 (MANE Select); coding-DNA position 49, G replaced by A.
Protein change: p.Gly17Ser; replaces glycine 17 with serine.
Molecular consequence: missense variant. On other transcripts: 5 prime UTR variant (3).
Genome position (GRCh38, 1-based): chr15:40,807,398, C>T on the plus strand (G>A on the coding strand, the complement: DNAJC17 is on the minus strand). VCF-style: chr15-40807398-C-T. GRCh37 (hg19) VCF-style: chr15-41099596-C-T.
Other names: c.-192C>T (NM_001077268.2, NM_001258420.2); c.-520C>T (NM_001258421.2); c.110C>T, p.Pro37Leu (NM_032850.5); short protein forms G17S, P37L.
Identifiers: ClinVar variation 2815937 (VCV002815937.3), dbSNP rs199831258, ClinGen allele CA268846369.